The following is an entry in ClinVar:

ClinVar aggregate classification (germline): Pathogenic. Review status: criteria provided, multiple submitters, no conflicts (2 of 4 stars). 10 submissions from 10 submitters: Pathogenic (9). 1 of the submissions does not count toward it. Last evaluated 2026-03-30.

Conditions:
HGSNAT-related disorders.
HGSNAT-related disorder. Also called: HGSNAT-related condition.
Sanfilippo syndrome. Also called: Sanfilippo disease; Mucopolysaccharidosis type 3; Mucopolysaccharidosis Type III. Identifiers: Orphanet 581, MedGen C0026706, MONDO:0018937.
Retinitis pigmentosa 73 (RP73). Identifiers: Orphanet 791, MedGen C4225287, MONDO:0014687, OMIM 616544.
Mucopolysaccharidosis, MPS-III-C (MPS3C). Also called: mucopolysaccharidosis type 3C; MUCOPOLYSACCHARIDOSIS, TYPE IIIC; Mucopolysaccharidosis type IIIC (Sanfilippo C); SANFILIPPO SYNDROME C; MPS IIIC (Sanfilippo Syndrome Type C); MPS III C. Identifiers: Orphanet 581, Orphanet 79271, MedGen C0086649, MONDO:0009657, OMIM 252930.

Allele frequency attached by ClinVar (database versions not stated): TOPMed 0.00002; gnomAD exomes 0.00001 and 0.00002; ExAC 0.00001.

Submissions (10):

PreventionGenetics, part of Exact Sciences
Classification: Pathogenic for HGSNAT-related condition. Last evaluated: 2026-03-30. Review status: criteria provided, single submitter. Criteria: ACMG Guidelines, 2015. Collection method: clinical testing. Allele origin: germline.
Comment: The HGSNAT c.1411G>A variant is predicted to result in the amino acid substitution p.Glu471Lys. This variant has been reported in the homozygous or compound heterozygous states in several individuals with mucopolysaccharidosis type IIIC (MPSIIIC; Hrebicek et al. 2006. PubMed ID: 17033958; Fedele et al. 2010. PubMed ID: 20583299). Functional studies have determined that the p.Glu471Lys substitution causes misfolding and ER retention which results in negligible enzyme activity (Feldhammer et al. 2009. PubMed ID: 19823584; Fedele et al. 2010. PubMed ID: 20583299). This variant is reported in 0.0033% of alleles in individuals of South Asian descent in gnomAD. This variant is interpreted as pathogenic.

Labcorp Genetics (formerly Invitae), Labcorp
Classification: Pathogenic for Retinitis pigmentosa 73; Mucopolysaccharidosis, MPS-III-C. Last evaluated: 2025-07-30. Review status: criteria provided, single submitter. Criteria: Invitae Variant Classification Sherloc (09022015). Collection method: clinical testing. Allele origin: germline.
Comment: This sequence change replaces glutamic acid, which is acidic and polar, with lysine, which is basic and polar, at codon 471 of the HGSNAT protein (p.Glu471Lys). This variant is present in population databases (rs753355844, gnomAD 0.003%). This missense change has been observed in individual(s) with mucopolysaccharidosis type III (PMID: 17033958, 18024218, 19479962). This variant is also known as p.E499K. ClinVar contains an entry for this variant (Variation ID: 265483). Invitae Evidence Modeling of protein sequence and biophysical properties (such as structural, functional, and spatial information, amino acid conservation, physicochemical variation, residue mobility, and thermodynamic stability) has been performed for this missense variant. However, the output from this modeling did not meet the statistical confidence thresholds required to predict the impact of this variant on HGSNAT protein function. Experimental studies have shown that this missense change affects HGSNAT function (PMID: 20583299). For these reasons, this variant has been classified as Pathogenic.

Natera, Inc.
Classification: Pathogenic for Mucopolysaccharidosis type IIIC. Last evaluated: 2024-12-30. Review status: criteria provided, single submitter. Criteria: Natera Variant Classification Schema (03/2026). Collection method: clinical testing. Allele origin: germline.
Comment: The c.1411G>A variant in HGSNAT is a missense variant predicted to cause substitution of glutamic acid to lysine at amino acid 471. This variant is rare in the general population with a frequency below the threshold expected for the associated phenotype(s). This variant has been observed in one or more individuals affected with the associated recessive disease, as either homozygous or compound heterozygous with a second variant (PMID: 32770643, 18024218, 17033958). Additionally, this variant has been observed to segregate in affected family members (PMID: 18024218). Computational prediction algorithms indicate this variant is likely to affect gene or protein function. Given the available evidence, this variant is classified as Pathogenic.

GeneDx
Classification: Pathogenic. Last evaluated: 2024-12-14. Review status: criteria provided, single submitter. Criteria: GeneDx Variant Classification Process June 2021. Collection method: clinical testing. Allele origin: germline. Affected: yes.
Comment: Published functional studies demonstrate the variant causes negligible heparan acetyl CoA: alpha-glucosaminide N-acetyltransferase (HGSNAT) enzyme activity and caused misfolding of the HGSNAT protein and retention in the endoplasmic reticulum (PMID: 20583299, PMID: 19823584); Not observed at significant frequency in large population cohorts (gnomAD); In silico analysis supports that this missense variant has a deleterious effect on protein structure/function; This variant is associated with the following publications: (PMID: 17033958, 19823584, 18024218, 19479962, 32770643, 31228227, 31964843, 20583299)

Blueprint Genetics
Classification: Pathogenic for HGSNAT-related disorders. Last evaluated: 2023-04-12. Review status: criteria provided, single submitter. Criteria: ACMG Guidelines, 2015. Collection method: clinical testing. Allele origin: germline. Affected: yes. Observed: 4 variant alleles.

Department of Pathology and Laboratory Medicine, Sinai Health System
Classification: Pathogenic for Mucopolysaccharidosis, MPS-III-C; Retinitis pigmentosa 73. Last evaluated: 2022-04-08. Review status: criteria provided, single submitter. Criteria: ACMG Guidelines, 2015. Collection method: research. Allele origin: germline.

Genetics and Genomic Medicine Centre, NeuroGen Healthcare, NeuroGen Healthcare
Classification: Pathogenic for Retinitis pigmentosa 73. Last evaluated: 2020-10-10. Review status: criteria provided, single submitter. Criteria: Submitter's publication. Collection method: clinical testing. Allele origin: unknown. Affected: no.

Fulgent Genetics
Classification: Pathogenic for Mucopolysaccharidosis, MPS-III-C; Retinitis pigmentosa 73. Last evaluated: 2018-10-31. Review status: criteria provided, single submitter. Criteria: ACMG Guidelines, 2015. Collection method: clinical testing. Allele origin: unknown.

Women's Health and Genetics/Laboratory Corporation of America, LabCorp
Classification: Pathogenic for Sanfilippo syndrome. Last evaluated: 2017-06-05. Review status: criteria provided, single submitter. Criteria: LabCorp Variant Classification Summary - May 2015. Collection method: clinical testing. Allele origin: germline.
Comment: Variant summary: The HGSNAT c.1411G>A (p.Glu471Lys) variant causes the change of "an acidic residue for a basic one just inside the lysosomal luman (Feldhammer_2009)" involving the alteration of a conserved nucleotide and 3/4 in silico tools (SNPsandGO not captured due to low reliability index) predict a damaging outcome for this variant . This variant was found in 1/120760 control chromosomes at a frequency of 0.0000083, which does not exceed the estimated maximal expected allele frequency of a pathogenic HGSNAT variant (0.001). The variant was reported in the literature in MPS type IIIC patients both in the homozygous state and in the compound heterozygous state with other pathogenic variants. Additionally, the variant expressed in various cell model systems was shown to have significantly decreased enzyme activity, and to result in production of misfolded HGSNAT protein that is abnormally glycosylated and not targeted to the lysosome (Fedele_2010, Feldhammer_2009). One clinical diagnostic laboratory classified this variant as pathogenic. Taken together, this variant is classified as pathogenic.

Counsyl
Classification: Likely pathogenic for Mucopolysaccharidosis, MPS-III-C. Last evaluated: 2017-02-13. Review status: no assertion criteria provided. Collection method: clinical testing. Allele origin: unknown. Not counted in ClinVar's aggregate classification.

Literature cited by the submitters: PubMed 17033958 (cited by 4 submitters); PubMed 18024218 (cited by 4 submitters); PubMed 19479962 (cited by 3 submitters); PubMed 20583299 (cited by 3 submitters); PubMed 32770643 (cited by Natera, Inc.); PubMed 19823584 (cited by Women's Health and Genetics/Laboratory Corporation of America, LabCorp and Counsyl).

NM_152419.3(HGSNAT):c.1411G>A (p.Glu471Lys)

Gene: HGSNAT (heparan-alpha-glucosaminide N-acetyltransferase; plus strand). Cytogenetic location: 8p11.21.
Variant type: single nucleotide variant.
Coding change: c.1411G>A on transcript NM_152419.3 (MANE Select); coding-DNA position 1411, G replaced by A.
Protein change: p.Glu471Lys; replaces glutamic acid 471 with lysine.
Molecular consequence: missense variant.
Genome position (GRCh38, 1-based): chr8:43,193,790, G>A. VCF-style: chr8-43193790-G-A. GRCh37 (hg19) VCF-style: chr8-43048933-G-A.
Other names: c.1411G>A, p.Glu471Lys (NM_001363227.2); c.1219G>A, p.Glu407Lys (NM_001363228.2); c.547G>A, p.Glu183Lys (NM_001363229.2); short protein forms E471K, E183K, E407K.
Identifiers: ClinVar variation 265483 (VCV000265483.22), dbSNP rs753355844, ClinGen allele CA4736872.